The following is an entry in ClinVar:

ClinVar aggregate classification (germline): Likely benign. Review status: criteria provided, multiple submitters, no conflicts (2 of 4 stars). 3 submissions from 3 submitters: Likely benign (3). Last evaluated 2026-02-02.

Conditions:
TFG-related disorder. Also called: TFG-related disorders; TFG-related condition.
Hereditary motor and sensory neuropathy, Okinawa type (HMSNO). Also called: HEREDITARY MOTOR AND SENSORY NEUROPATHY, PROXIMAL TYPE. Identifiers: Orphanet 90117, MedGen C1858338, MONDO:0011468, OMIM 604484.
Hereditary spastic paraplegia 57. Also called: Spastic paraplegia 57, autosomal recessive. Identifiers: Orphanet 431329, MedGen C3714897, MONDO:0014295, OMIM 615658.

Allele frequency attached by ClinVar (database versions not stated): gnomAD exomes 0.00002; ExAC 0.00003; gnomAD 0.00003.
gnomAD v4.1: 31 of 1,525,316 alleles (0.002%); highest among the groups gnomAD compares: Non-Finnish European, 0.0025%; no homozygotes.

Submissions (3):

PreventionGenetics, part of Exact Sciences
Classification: Likely benign for TFG-related condition. Last evaluated: 2026-02-02. Review status: criteria provided, single submitter. Criteria: ACMG Guidelines, 2015. Collection method: clinical testing. Allele origin: germline.
Comment: This variant is classified as likely benign based on ACMG/AMP sequence variant interpretation guidelines (Richards et al. 2015 PMID: 25741868, with internal and published modifications).

Labcorp Genetics (formerly Invitae), Labcorp
Classification: Likely benign for Hereditary motor and sensory neuropathy, Okinawa type; Hereditary spastic paraplegia 57. Last evaluated: 2025-05-22. Review status: criteria provided, single submitter. Criteria: Invitae Variant Classification Sherloc (09022015). Collection method: clinical testing. Allele origin: germline.

CeGaT Center for Human Genetics Tuebingen
Classification: Likely benign. Last evaluated: 2025-04-01. Review status: criteria provided, single submitter. Criteria: CeGaT Center For Human Genetics Tuebingen Variant Classification Criteria Version 2. Collection method: clinical testing. Allele origin: germline. Affected: yes. Observed: 3 variant alleles.
Comment: TFG: BP4, BP7

NM_006070.6(TFG):c.177A>G (p.Lys59=)

Gene: TFG (trafficking from ER to golgi regulator; plus strand). Cytogenetic location: 3q12.2.
Variant type: single nucleotide variant.
Coding change: c.177A>G on transcript NM_006070.6 (MANE Select); coding-DNA position 177, A replaced by G.
Protein change: p.Lys59=; no amino-acid change (lysine 59 retained).
Molecular consequence: synonymous variant.
Genome position (GRCh38, 1-based): chr3:100,713,862, A>G. VCF-style: chr3-100713862-A-G. GRCh37 (hg19) VCF-style: chr3-100432706-A-G.
Other names: c.177A>G, p.Lys59= (NM_001007565.2, NM_001195478.2, NM_001195479.2).
Identifiers: ClinVar variation 765528 (VCV000765528.35), dbSNP rs766483726, ClinGen allele CA2516967.
Genomic context (GRCh38, chr3:100,713,862, plus strand): 5'-GATGCAACGAGTTTTCAGAGGAAAACTTCTGAGTAATGATGAAGTAACAATAAAGTATAA[A>G]GATGAAGGTAAGAGTGTTTTTAAAGCTATTTTTTAAAGTCTTTTTAAAAAAAAAAAAAAA-3'
Protein context (NP_006061.2, residues 49-69): LSNDEVTIKY[Lys59=]DEDGDLITIF